The following is an entry in ClinVar:

ClinVar aggregate classification (germline): Likely benign (0 of 4 stars; one submission).

Conditions:
PRR12-related disorder. Also called: PRR12-related condition.

Allele frequency attached by ClinVar (database versions not stated): TOPMed 0.00005; gnomAD 0.00009.
gnomAD v4.1: 46 of 1,613,454 alleles (0.0029%); highest among the groups gnomAD compares: African/African-American, 0.023%; no homozygotes.

Submission:

PreventionGenetics, part of Exact Sciences
Classification: Likely benign for PRR12-related condition. Last evaluated: 2019-05-01. Review status: no assertion criteria provided. Collection method: clinical testing. Allele origin: germline.
Comment: This variant is classified as likely benign based on ACMG/AMP sequence variant interpretation guidelines (Richards et al. 2015 PMID: 25741868, with internal and published modifications).

NM_020719.3(PRR12):c.4122C>T (p.Leu1374=)

Gene: PRR12 (proline rich 12; plus strand). Cytogenetic location: 19q13.33.
Variant type: single nucleotide variant.
Coding change: c.4122C>T on transcript NM_020719.3 (MANE Select); coding-DNA position 4122, C replaced by T.
Protein change: p.Leu1374=; no amino-acid change (leucine 1374 retained).
Molecular consequence: synonymous variant.
Genome position (GRCh38, 1-based): chr19:49,599,715, C>T. VCF-style: chr19-49599715-C-T. GRCh37 (hg19) VCF-style: chr19-50102972-C-T.
Identifiers: ClinVar variation 3037957 (VCV003037957.2), dbSNP rs781576069, ClinGen allele CA309531919.